The following is an entry in ClinVar:

ClinVar aggregate classification (germline): Uncertain significance. Review status: criteria provided, multiple submitters, no conflicts (2 of 4 stars). 3 submissions from 3 submitters: Uncertain significance (3). Last evaluated 2024-03-02.

Conditions:
Familial cancer of breast. Also called: hereditary breast carcinoma; Hereditary breast cancer; BREAST CANCER, FAMILIAL. Identifiers: Orphanet 227535, MedGen C0346153, MONDO:0016419, OMIM 114480. Disease mechanism: loss of function.
Hereditary cancer-predisposing syndrome. Also called: Tumor predisposition; Hereditary neoplastic syndrome; Neoplastic Syndromes, Hereditary; Hereditary Cancer Syndrome. Identifiers: Orphanet 140162, MedGen C0027672, MeSH D009386, MONDO:0015356.

Allele frequency attached by ClinVar (database versions not stated): gnomAD exomes below 0.00001; ExAC 0.00001.
gnomAD v4.1: 1 of 1,614,070 alleles (0.000062%); highest among the groups gnomAD compares: East Asian, 0.0022%; no homozygotes.

Submissions (3):

Ambry Genetics
Classification: Uncertain significance for Hereditary cancer-predisposing syndrome. Last evaluated: 2024-03-02. Review status: criteria provided, single submitter. Criteria: Ambry Variant Classification Scheme 2023. Collection method: clinical testing. Allele origin: germline.
Comment: The p.L390F variant (also known as c.1168C>T), located in coding exon 4 of the BARD1 gene, results from a C to T substitution at nucleotide position 1168. The leucine at codon 390 is replaced by phenylalanine, an amino acid with highly similar properties. This amino acid position is not well conserved in available vertebrate species. In addition, this alteration is predicted to be tolerated by in silico analysis. Since supporting evidence is limited at this time, the clinical significance of this alteration remains unclear.

Labcorp Genetics (formerly Invitae), Labcorp
Classification: Uncertain significance for Familial cancer of breast. Last evaluated: 2023-07-17. Review status: criteria provided, single submitter. Criteria: Invitae Variant Classification Sherloc (09022015). Collection method: clinical testing. Allele origin: germline.
Comment: This variant is present in population databases (rs774439137, gnomAD 0.006%). This sequence change replaces leucine, which is neutral and non-polar, with phenylalanine, which is neutral and non-polar, at codon 390 of the BARD1 protein (p.Leu390Phe). This variant has not been reported in the literature in individuals affected with BARD1-related conditions. In summary, the available evidence is currently insufficient to determine the role of this variant in disease. Therefore, it has been classified as a Variant of Uncertain Significance. Algorithms developed to predict the effect of missense changes on protein structure and function output the following: SIFT: "Not Available"; PolyPhen-2: "Benign"; Align-GVGD: "Not Available". The phenylalanine amino acid residue is found in multiple mammalian species, which suggests that this missense change does not adversely affect protein function. ClinVar contains an entry for this variant (Variation ID: 818486).

Color Diagnostics, LLC DBA Color Health
Classification: Uncertain significance for Hereditary cancer-predisposing syndrome. Last evaluated: 2019-01-16. Review status: criteria provided, single submitter. Criteria: ACMG Guidelines, 2015. Collection method: clinical testing. Allele origin: germline.

NM_000465.4(BARD1):c.1168C>T (p.Leu390Phe)

Gene: BARD1 (BRCA1 associated RING domain 1; minus strand). Cytogenetic location: 2q35.
Variant type: single nucleotide variant.
Coding change: c.1168C>T on transcript NM_000465.4 (MANE Select); coding-DNA position 1168, C replaced by T.
Protein change: p.Leu390Phe; replaces leucine 390 with phenylalanine.
Molecular consequence: missense variant. On other transcripts: non-coding transcript variant (2), intron variant (3).
Genome position (GRCh38, 1-based): chr2:214,780,706, G>A on the plus strand (C>T on the coding strand, the complement: BARD1 is on the minus strand). VCF-style: chr2-214780706-G-A. GRCh37 (hg19) VCF-style: chr2-215645430-G-A.
Other names: c.1111C>T, p.Leu371Phe (NM_001282543.2); c.159-28151C>T (NM_001282548.2); c.215+16355C>T (NM_001282545.2); c.364+11591C>T (NM_001282549.2); short protein forms L371F, L390F.
Identifiers: ClinVar variation 818486 (VCV000818486.15), dbSNP rs774439137, ClinGen allele CA2090330.